The following is an entry in ClinVar:

NM_001003699.4(RREB1):c.2337C>G (p.Gly779=)

Gene: RREB1 (ras responsive element binding protein 1; plus strand). Cytogenetic location: 6p24.3.
Variant type: single nucleotide variant.
Coding change: c.2337C>G on transcript NM_001003699.4 (MANE Select); coding-DNA position 2337, C replaced by G.
Protein change: p.Gly779=; no amino-acid change (glycine 779 retained).
Molecular consequence: synonymous variant.
Genome position (GRCh38, 1-based): chr6:7,230,436, C>G. VCF-style: chr6-7230436-C-G. GRCh37 (hg19) VCF-style: chr6-7230669-C-G.
Other names: c.2337C>G, p.Gly779= (NM_001003698.4, NM_001003700.2, NM_001168344.2).
Identifiers: ClinVar variation 4822161 (VCV004822161.4).

ClinVar aggregate classification (germline): Likely benign (1 of 4 stars; one submission).

gnomAD v4.1: 1 of 1,591,380 alleles (0.000063%); highest among the groups gnomAD compares: Non-Finnish European, 0.000085%; no homozygotes.

Submission:

CeGaT Center for Human Genetics Tuebingen
Classification: Likely benign. Last evaluated: 2026-03-01. Review status: criteria provided, single submitter. Criteria: CeGaT Center For Human Genetics Tuebingen Variant Classification Criteria Version 2. Collection method: clinical testing. Allele origin: germline. Affected: yes. Observed: 1 variant allele.
Comment: RREB1: BP4, BP7